The following is an entry in ClinVar:

NM_012281.3(KCND2):c.83C>T (p.Pro28Leu)

Gene: KCND2 (potassium voltage-gated channel subfamily D member 2; plus strand). Cytogenetic location: 7q31.31.
Variant type: single nucleotide variant.
Coding change: c.83C>T on transcript NM_012281.3 (MANE Select); coding-DNA position 83, C replaced by T.
Protein change: p.Pro28Leu; replaces proline 28 with leucine.
Molecular consequence: missense variant.
Genome position (GRCh38, 1-based): chr7:120,274,715, C>T. VCF-style: chr7-120274715-C-T. GRCh37 (hg19) VCF-style: chr7-119914769-C-T.
Other names: short protein forms P28L.
Identifiers: ClinVar variation 2770954 (VCV002770954.3), dbSNP rs2546906827, ClinGen allele CA369130794.

ClinVar aggregate classification (germline): Uncertain significance (1 of 4 stars; one submission).

Conditions:
Early Myoclonic Encephalopathy. Identifiers: MedGen C0270855.

Submission:

Labcorp Genetics (formerly Invitae), Labcorp
Classification: Uncertain significance for Early Myoclonic Encephalopathy. Last evaluated: 2023-10-26. Review status: criteria provided, single submitter. Criteria: Invitae Variant Classification Sherloc (09022015). Collection method: clinical testing. Allele origin: germline.
Comment: This sequence change replaces proline, which is neutral and non-polar, with leucine, which is neutral and non-polar, at codon 28 of the KCND2 protein (p.Pro28Leu). This variant is not present in population databases (gnomAD no frequency). This variant has not been reported in the literature in individuals affected with KCND2-related conditions. Advanced modeling of protein sequence and biophysical properties (such as structural, functional, and spatial information, amino acid conservation, physicochemical variation, residue mobility, and thermodynamic stability) has been performed at Invitae for this missense variant, however the output from this modeling did not meet the statistical confidence thresholds required to predict the impact of this variant on KCND2 protein function. In summary, the available evidence is currently insufficient to determine the role of this variant in disease. Therefore, it has been classified as a Variant of Uncertain Significance.